The following is an entry in ClinVar:

NM_001261826.3(AP3D1):c.3418C>T (p.Arg1140Trp)

Gene: AP3D1 (adaptor related protein complex 3 subunit delta 1; minus strand). Cytogenetic location: 19p13.3.
Variant type: single nucleotide variant.
Coding change: c.3418C>T on transcript NM_001261826.3 (MANE Select); coding-DNA position 3418, C replaced by T.
Protein change: p.Arg1140Trp; replaces arginine 1140 with tryptophan.
Molecular consequence: missense variant.
Genome position (GRCh38, 1-based): chr19:2,109,140, G>A on the plus strand (C>T on the coding strand, the complement: AP3D1 is on the minus strand). VCF-style: chr19-2109140-G-A. GRCh37 (hg19) VCF-style: chr19-2109139-G-A.
Other names: c.3382C>T, p.Arg1128Trp (NM_001374799.1); c.3232C>T, p.Arg1078Trp (NM_003938.8); short protein forms R1128W, R1140W, R1078W.
Identifiers: ClinVar variation 4115343 (VCV004115343.2).
Genomic context (GRCh38, chr19:2,109,140, plus strand): 5'-CCTTACCGGAAAAATGGTGGTGAAAACAGATCTTCGCCAGAAGATTCTGGAAGGACATCC[G>A]AATGCCATCGACTTTGATTGAGCTCATGCTCAAGTCCCCAGACTCCAGCAACTTAGCAAA-3'
Protein context (NP_001248755.1, residues 1130-1150): SMSSIKVDGI[Arg1140Trp]MSFQNLLAKI

ClinVar aggregate classification (germline): Uncertain significance. Review status: criteria provided, multiple submitters, no conflicts (2 of 4 stars). 2 submissions from 2 submitters: Uncertain significance (2). Last evaluated 2025-08-20.

Conditions:
Inborn genetic diseases. Identifiers: MedGen C0950123, MeSH D030342.

gnomAD v4.1: 16 of 1,608,738 alleles (0.00099%); highest among the groups gnomAD compares: African/African-American, 0.0027%; no homozygotes.

Submissions (2):

Ambry Genetics
Classification: Uncertain significance for Inborn genetic diseases. Last evaluated: 2025-08-20. Review status: criteria provided, single submitter. Criteria: Ambry Variant Classification Scheme 2023. Collection method: clinical testing. Allele origin: germline.

Labcorp Genetics (formerly Invitae), Labcorp
Classification: Uncertain significance. Last evaluated: 2025-05-16. Review status: criteria provided, single submitter. Criteria: Invitae Variant Classification Sherloc (09022015). Collection method: clinical testing. Allele origin: germline.
Comment: This sequence change replaces arginine, which is basic and polar, with tryptophan, which is neutral and slightly polar, at codon 1140 of the AP3D1 protein (p.Arg1140Trp). This variant is present in population databases (no rsID available, gnomAD 0.006%). This variant has not been reported in the literature in individuals affected with AP3D1-related conditions. An algorithm developed to predict the effect of missense changes on protein structure and function (PolyPhen-2) suggests that this variant is likely to be tolerated. In summary, the available evidence is currently insufficient to determine the role of this variant in disease. Therefore, it has been classified as a Variant of Uncertain Significance.